The following is an entry in ClinVar:

NM_005529.7(HSPG2):c.4391G>A (p.Arg1464Gln)

Gene: HSPG2 (heparan sulfate proteoglycan 2; minus strand). Cytogenetic location: 1p36.12.
Variant type: single nucleotide variant.
Coding change: c.4391G>A on transcript NM_005529.7 (MANE Select); coding-DNA position 4391, G replaced by A.
Protein change: p.Arg1464Gln; replaces arginine 1464 with glutamine.
Molecular consequence: missense variant.
Genome position (GRCh38, 1-based): chr1:21,865,289, C>T on the plus strand (G>A on the coding strand, the complement: HSPG2 is on the minus strand). VCF-style: chr1-21865289-C-T. GRCh37 (hg19) VCF-style: chr1-22191782-C-T.
Other names: c.4394G>A, p.Arg1465Gln (NM_001291860.2); short protein forms R1464Q, R1465Q.
Identifiers: ClinVar variation 447552 (VCV000447552.14), dbSNP rs757410321, ClinGen allele CA672292.
Genomic context (GRCh38, chr1:21,865,289, plus strand): 5'-GAGTCAGGGTGGAGGGTGGGGTGGGGTTAGACACAGCATGGCCAGGTGCCCCTTACCTCT[C>T]GGAACATGATCTCGTAGCTCCTCCTCTCAGGGCCCTGCAGCGCTGGCTGGGAGGCCACTA-3'
Protein context (NP_005520.4, residues 1454-1474): PERRSYEIMF[Arg1464Gln]EEFWRRPDGQ

ClinVar aggregate classification (germline): Uncertain significance. Review status: criteria provided, multiple submitters, no conflicts (2 of 4 stars). 7 submissions from 6 submitters: Uncertain significance (7). Last evaluated 2024-12-19.

Conditions:
Lethal Kniest-like syndrome (DDSH). Also called: Dyssegmental Dysplasia. Identifiers: Orphanet 1865, MedGen C1857100, MONDO:0009140, OMIM 224410.
Schwartz-Jampel syndrome type 1 (SJS1). Also called: MYOTONIC MYOPATHY, DWARFISM, CHONDRODYSTROPHY, AND OCULAR AND FACIAL ABNORMALITIES; CHONDRODYSTROPHIC MYOTONIA. Identifiers: MedGen C4551479, MONDO:0100435, OMIM 255800.
Inborn genetic diseases. Identifiers: MedGen C0950123, MeSH D030342.
Schwartz-Jampel syndrome. Also called: Myotonic myopathy dwarfism chondrodystrophy and ocular and facial abnormalities. Identifiers: Orphanet 800, MedGen C0036391, MONDO:0009717.

Allele frequency attached by ClinVar (database versions not stated): gnomAD 0.00006 and 0.00007; TOPMed 0.00005; ExAC 0.00009.
gnomAD v4.1: 180 of 1,613,878 alleles (0.011%); highest among the groups gnomAD compares: East Asian, 0.033%; no homozygotes.

Submissions (7):

GeneDx
Classification: Uncertain significance. Last evaluated: 2024-12-19. Review status: criteria provided, single submitter. Criteria: GeneDx Variant Classification Process June 2021. Collection method: clinical testing. Allele origin: germline.
Comment: Observed with a pathogenic or likely pathogenic variant on the opposite allele (in trans) in a patient in published literature (PMID: 29656859); In silico analysis indicates that this missense variant does not alter protein structure/function; This variant is associated with the following publications: (PMID: 29656859)

Labcorp Genetics (formerly Invitae), Labcorp
Classification: Uncertain significance. Last evaluated: 2023-12-27. Review status: criteria provided, single submitter. Criteria: Invitae Variant Classification Sherloc (09022015). Collection method: clinical testing. Allele origin: germline.
Comment: This sequence change replaces arginine, which is basic and polar, with glutamine, which is neutral and polar, at codon 1464 of the HSPG2 protein (p.Arg1464Gln). This variant is present in population databases (rs757410321, gnomAD 0.1%). This variant has not been reported in the literature in individuals affected with HSPG2-related conditions. ClinVar contains an entry for this variant (Variation ID: 447552). Algorithms developed to predict the effect of missense changes on protein structure and function output the following: SIFT: "Not Available"; PolyPhen-2: "Benign"; Align-GVGD: "Not Available". The glutamine amino acid residue is found in multiple mammalian species, which suggests that this missense change does not adversely affect protein function. In summary, the available evidence is currently insufficient to determine the role of this variant in disease. Therefore, it has been classified as a Variant of Uncertain Significance.

Ambry Genetics
Classification: Uncertain significance for Inborn genetic diseases. Last evaluated: 2022-09-29. Review status: criteria provided, single submitter. Criteria: Ambry Variant Classification Scheme 2023. Collection method: clinical testing. Allele origin: germline.

Fulgent Genetics
Classification: Uncertain significance for Lethal Kniest-like syndrome; Schwartz-Jampel syndrome type 1. Last evaluated: 2021-12-22. Review status: criteria provided, single submitter. Criteria: ACMG Guidelines, 2015. Collection method: clinical testing. Allele origin: unknown.

Illumina Laboratory Services, Illumina
Classification: Uncertain significance for Lethal Kniest-like syndrome. Last evaluated: 2018-01-13. Review status: criteria provided, single submitter. Criteria: ICSL Variant Classification Criteria 13 December 2019. Collection method: clinical testing. Allele origin: germline.

Illumina Laboratory Services, Illumina
Classification: Uncertain significance for Schwartz-Jampel syndrome type 1. Last evaluated: 2018-01-13. Review status: criteria provided, single submitter. Criteria: ICSL Variant Classification Criteria 13 December 2019. Collection method: clinical testing. Allele origin: germline.

Athena Diagnostics
Classification: Uncertain significance. Last evaluated: 2017-08-25. Review status: criteria provided, single submitter. Criteria: Athena Diagnostics Criteria. Collection method: clinical testing. Allele origin: germline.